The following is an entry in ClinVar:

ClinVar aggregate classification (germline): Uncertain significance (1 of 4 stars; one submission).

Conditions:
Ataxia-telangiectasia syndrome (AT). Also called: Ataxia-telangiectasia, complementation group E; Ataxia telangiectasia (A-T); LOUIS-BAR SYNDROME; Ataxia-telangiectasia, complementation group D; AT, COMPLEMENTATION GROUP C; ATAXIA-TELANGIECTASIA, COMPLEMENTATION GROUP A. Identifiers: Orphanet 100, MedGen C0004135, MONDO:0008840, OMIM 208900.

Submission:

Labcorp Genetics (formerly Invitae), Labcorp
Classification: Uncertain significance for Ataxia-telangiectasia syndrome. Last evaluated: 2025-08-29. Review status: criteria provided, single submitter. Criteria: Invitae Variant Classification Sherloc (09022015). Collection method: clinical testing. Allele origin: germline.
Comment: This sequence change replaces lysine, which is basic and polar, with leucine, which is neutral and non-polar, at codon 1323 of the ATM protein (p.Lys1323Leu). Information on the frequency of this variant in the gnomAD database is not available, as this variant may be reported differently in the database. This variant has not been reported in the literature in individuals affected with ATM-related conditions. An algorithm developed to predict the effect of missense changes on protein structure and function (PolyPhen-2) suggests that this variant is likely to be tolerated. In summary, the available evidence is currently insufficient to determine the role of this variant in disease. Therefore, it has been classified as a Variant of Uncertain Significance.

NM_000051.4(ATM):c.3967_3968inv (p.Lys1323Leu)

Gene: ATM (ATM serine/threonine kinase; plus strand). Cytogenetic location: 11q22.3.
Variant type: Inversion.
Coding change: c.3967_3968inv on transcript NM_000051.4 (MANE Select).
Protein change: p.Lys1323Leu; replaces lysine 1323 with leucine.
Molecular consequence: missense variant.
Genome position: GRCh38 VCF-style: chr11-108284447-AA-TT. GRCh37 (hg19) VCF-style: chr11-108155174-AA-TT.
Other names: c.3967_3968inv, p.Lys1323Leu (NM_001351834.2); short protein forms K1323L.
Identifiers: ClinVar variation 4809811 (VCV004809811.1).
Genomic context (GRCh38, chr11:108,284,447, plus strand): 5'-ACCAGAGACAGTGGGATGGCACAGCAAAGAGAGACTGCTACCAAGGTCTATGATATGCTT[AA>TT]AAGTGAAAACTTATTGGGAAAACAGGTATGGCTTCAATTTTTATGTACTTTTCATTCCCT-3'
Protein context (NP_000042.3, residues 1313-1333): ETATKVYDML[Lys1323Leu]SENLLGKQID